The following is an entry in ClinVar:

NM_000081.4(LYST):c.10144A>G (p.Thr3382Ala)

Gene: LYST (lysosomal trafficking regulator; minus strand). Cytogenetic location: 1q42.3.
Variant type: single nucleotide variant.
Coding change: c.10144A>G on transcript NM_000081.4 (MANE Select); coding-DNA position 10144, A replaced by G.
Protein change: p.Thr3382Ala; replaces threonine 3382 with alanine.
Molecular consequence: missense variant.
Genome position (GRCh38, 1-based): chr1:235,702,977, T>C on the plus strand (A>G on the coding strand, the complement: LYST is on the minus strand). VCF-style: chr1-235702977-T-C. GRCh37 (hg19) VCF-style: chr1-235866277-T-C.
Other names: c.10144A>G, p.Thr3382Ala (NM_001301365.1); short protein forms T3382A.
Identifiers: ClinVar variation 1717585 (VCV001717585.3), dbSNP rs2527324550, ClinGen allele CA344932571.

ClinVar aggregate classification (germline): Uncertain significance (1 of 4 stars; one submission).

Conditions:
Chédiak-Higashi syndrome (CHS). Also called: Chediak-Higashi Syndrome. Identifiers: Orphanet 167, MedGen C0007965, MONDO:0008963, OMIM 214500.

Submission:

Labcorp Genetics (formerly Invitae), Labcorp
Classification: Uncertain significance for Chédiak-Higashi syndrome. Last evaluated: 2022-08-22. Review status: criteria provided, single submitter. Criteria: Invitae Variant Classification Sherloc (09022015). Collection method: clinical testing. Allele origin: germline.
Comment: This sequence change replaces threonine, which is neutral and polar, with alanine, which is neutral and non-polar, at codon 3382 of the LYST protein (p.Thr3382Ala). This variant is not present in population databases (gnomAD no frequency). This variant has not been reported in the literature in individuals affected with LYST-related conditions. Algorithms developed to predict the effect of missense changes on protein structure and function are either unavailable or do not agree on the potential impact of this missense change (SIFT: "Deleterious"; PolyPhen-2: "Probably Damaging"; Align-GVGD: "Class C0"). In summary, the available evidence is currently insufficient to determine the role of this variant in disease. Therefore, it has been classified as a Variant of Uncertain Significance.